The following is an entry in ClinVar:

NM_024685.4(BBS10):c.1724C>T (p.Pro575Leu)

Gene: BBS10 (Bardet-Biedl syndrome 10; minus strand). Cytogenetic location: 12q21.2.
Variant type: single nucleotide variant.
Coding change: c.1724C>T on transcript NM_024685.4 (MANE Select); coding-DNA position 1724, C replaced by T.
Protein change: p.Pro575Leu; replaces proline 575 with leucine.
Molecular consequence: missense variant.
Genome position (GRCh38, 1-based): chr12:76,346,261, G>A on the plus strand (C>T on the coding strand, the complement: BBS10 is on the minus strand). VCF-style: chr12-76346261-G-A. GRCh37 (hg19) VCF-style: chr12-76740041-G-A.
Other names: short protein forms P575L.
Identifiers: ClinVar variation 2072674 (VCV002072674.4), dbSNP rs2540955310, ClinGen allele CA385810324.
Genomic context (GRCh38, chr12:76,346,261, plus strand): 5'-GGCATAGATGAGGAAAGGTAACTCTGGGAAGTACCCATATTCGGTAACTTACAGCTCACT[G>A]GTAACATGCTTCCCTTTCTAGTAATATTTGTGACCTGTAAATTTTCGTAAGAAATTTCTA-3'
Protein context (NP_078961.3, residues 565-585): TNITRKGSML[Pro575Leu]VSCKLPNMGT

ClinVar aggregate classification (germline): Uncertain significance (1 of 4 stars; one submission).

Conditions:
Bardet-Biedl syndrome (BBS). Identifiers: Orphanet 110, MedGen C0752166, MONDO:0015229.

Submission:

Labcorp Genetics (formerly Invitae), Labcorp
Classification: Uncertain significance for Bardet-Biedl syndrome. Last evaluated: 2022-07-06. Review status: criteria provided, single submitter. Criteria: Invitae Variant Classification Sherloc (09022015). Collection method: clinical testing. Allele origin: germline.
Comment: In summary, the available evidence is currently insufficient to determine the role of this variant in disease. Therefore, it has been classified as a Variant of Uncertain Significance. Algorithms developed to predict the effect of missense changes on protein structure and function are either unavailable or do not agree on the potential impact of this missense change (SIFT: "Deleterious"; PolyPhen-2: "Possibly Damaging"; Align-GVGD: "Class C0"). This variant has not been reported in the literature in individuals affected with BBS10-related conditions. This variant is not present in population databases (gnomAD no frequency). This sequence change replaces proline, which is neutral and non-polar, with leucine, which is neutral and non-polar, at codon 575 of the BBS10 protein (p.Pro575Leu).